The following is an entry in ClinVar:

ClinVar aggregate classification (germline): Conflicting classifications of pathogenicity. Review status: criteria provided, conflicting classifications (1 of 4 stars). 5 submissions from 5 submitters: Uncertain significance (1); Likely benign (2). 2 of the submissions do not count toward it. Last evaluated 2026-01-21.

Conditions:
MLC1-related disorder. Also called: MLC1-related condition.
Megalencephalic leukoencephalopathy with subcortical cysts. Also called: VAN DER KNAAP DISEASE. Identifiers: Orphanet 2478, MedGen C1858854, MONDO:0011391.

Allele frequency attached by ClinVar (database versions not stated): ESP Exome Variant Server 0.00008; TOPMed 0.00028; gnomAD 0.00031 and 0.00033; gnomAD exomes 0.00037; 1000 Genomes Project 0.00040; ExAC 0.00045; 1000 Genomes Project 30x 0.00062.
gnomAD v4.1: 509 of 1,606,300 alleles (0.032%); highest among the groups gnomAD compares: Middle Eastern, 0.05%; no homozygotes.

Submissions (5):

Labcorp Genetics (formerly Invitae), Labcorp
Classification: Likely benign. Last evaluated: 2026-01-21. Review status: criteria provided, single submitter. Criteria: Invitae Variant Classification Sherloc (09022015). Collection method: clinical testing. Allele origin: germline.

Blueprint Genetics
Classification: Likely benign. Last evaluated: 2024-11-27. Review status: criteria provided, single submitter. Criteria: ACMG Guidelines, 2015. Collection method: clinical testing. Allele origin: germline.

Eurofins Ntd Llc (ga)
Classification: Uncertain significance. Last evaluated: 2015-10-28. Review status: criteria provided, single submitter. Criteria: EGL Classification Definitions 2015. Collection method: clinical testing. Allele origin: germline. Observed: 1 variant allele, 1 heterozygote.

Natera, Inc.
Classification: Likely benign for Megalencephalic leukoencephalopathy with subcortical cysts. Last evaluated: 2020-06-05. Review status: no assertion criteria provided. Collection method: clinical testing. Allele origin: germline. Not counted in ClinVar's aggregate classification.

PreventionGenetics, part of Exact Sciences
Classification: Likely benign for MLC1-related condition. Last evaluated: 2020-02-27. Review status: no assertion criteria provided. Collection method: clinical testing. Allele origin: germline. Not counted in ClinVar's aggregate classification.
Comment: This variant is classified as likely benign based on ACMG/AMP sequence variant interpretation guidelines (Richards et al. 2015 PMID: 25741868, with internal and published modifications).

NM_015166.4(MLC1):c.598-9C>T

Gene: MLC1 (modulator of VRAC current 1; minus strand). Cytogenetic location: 22q13.33.
Variant type: single nucleotide variant.
Coding change: c.598-9C>T on transcript NM_015166.4 (MANE Select); 9 bases into the intron before coding-DNA position 598, C replaced by T.
Molecular consequence: intron variant.
Genome position (GRCh38, 1-based): chr22:50,074,341, G>A on the plus strand (C>T on the coding strand, the complement: MLC1 is on the minus strand). VCF-style: chr22-50074341-G-A. GRCh37 (hg19) VCF-style: chr22-50512770-G-A.
Other names: c.598-9C>T (NM_001376474.1, NM_001376475.1, NM_001376476.1 and 6 more transcripts); c.361-9C>T (NM_001376484.1); c.508-9C>T (NM_001376480.1); c.442-9C>T (NM_001376482.1, NM_001376483.1); c.496-9C>T (NM_001376481.1).
Identifiers: ClinVar variation 284440 (VCV000284440.20), dbSNP rs200463656, ClinGen allele CA10303440.